The following is an entry in ClinVar:

ClinVar aggregate classification (germline): Conflicting classifications of pathogenicity. Review status: criteria provided, conflicting classifications (1 of 4 stars). 3 submissions from 3 submitters: Uncertain significance (2); Likely benign (1). Last evaluated 2023-12-20.

Conditions:
Bethlem myopathy 1A. Also called: MYOPATHY, BENIGN CONGENITAL, WITH CONTRACTURES; Bethlem Muscular Dystrophy; Bethlem myopathy 1. Identifiers: Orphanet 610, MedGen CN029274, MONDO:0024530, OMIM 158810.
Inborn genetic diseases. Identifiers: MedGen C0950123, MeSH D030342.
Collagen 6-related myopathy. Identifiers: MedGen CN117976, MONDO:0100225.

Allele frequency attached by ClinVar (database versions not stated): ESP Exome Variant Server 0.00008; TOPMed below 0.00001; gnomAD 0.00001; gnomAD exomes 0.00001; ExAC 0.00002.
gnomAD v4.1: 18 of 1,612,798 alleles (0.0011%); highest among the groups gnomAD compares: Non-Finnish European, 0.0012%; no homozygotes.

Submissions (4):

Ambry Genetics
Classification: Uncertain significance for Inborn genetic diseases. Last evaluated: 2023-12-20. Review status: criteria provided, single submitter. Criteria: Ambry Variant Classification Scheme 2023. Collection method: clinical testing. Allele origin: germline.

Labcorp Genetics (formerly Invitae), Labcorp
Classification: Uncertain significance for Bethlem myopathy 1A. Last evaluated: 2019-05-03. Review status: criteria provided, single submitter. Criteria: Invitae Variant Classification Sherloc (09022015). Collection method: clinical testing. Allele origin: germline.
Comment: This sequence change replaces alanine with valine at codon 558 of the COL6A2 protein (p.Ala558Val). The alanine residue is moderately conserved and there is a small physicochemical difference between alanine and valine. This variant is present in population databases (rs376303610, ExAC 0.003%). This variant has not been reported in the literature in individuals with COL6A2-related conditions. Algorithms developed to predict the effect of missense changes on protein structure and function are either unavailable or do not agree on the potential impact of this missense change (SIFT: "Deleterious"; PolyPhen-2: "Probably Damaging"; Align-GVGD: "Class C15"). Algorithms developed to predict the effect of sequence changes on RNA splicing suggest that this variant may create or strengthen a splice site, but this prediction has not been confirmed by published transcriptional studies. In summary, the available evidence is currently insufficient to determine the role of this variant in disease. Therefore, it has been classified as a Variant of Uncertain Significance.

Illumina Laboratory Services, Illumina
Classification: Likely benign for Collagen VI-related myopathy. Last evaluated: 2018-01-13. Review status: criteria provided, single submitter. Criteria: ICSL Variant Classification Criteria 13 December 2019. Collection method: clinical testing. Allele origin: germline.
Comment: This variant was observed in the ICSL laboratory as part of a predisposition screen in an ostensibly healthy population. It had not been previously curated by ICSL or reported in the Human Gene Mutation Database (HGMD: prior to June 1st, 2018), and was therefore a candidate for classification through an automated scoring system. Utilizing variant allele frequency, disease prevalence and penetrance estimates, and inheritance mode, an automated score was calculated to assess if this variant is too frequent to cause the disease. Based on the score and internal cut-off values, a variant classified as likely benign is not then subjected to further curation. The score for this variant resulted in a classification of likely benign for this disease.

Dr. Peter K. Rogan Lab, Western University
No classification provided (evidence only). Condition: Glioma susceptibility 1. Review status: no classification provided. Collection method: in vitro. Allele origin: not applicable. Functional consequence: retained intron. Not counted in ClinVar's aggregate classification.

NM_001849.4(COL6A2):c.1673C>T (p.Ala558Val)

Gene: COL6A2 (collagen type VI alpha 2 chain; plus strand). Cytogenetic location: 21q22.3.
Variant type: single nucleotide variant.
Coding change: c.1673C>T on transcript NM_001849.4 (MANE Select); coding-DNA position 1673, C replaced by T.
Protein change: p.Ala558Val; replaces alanine 558 with valine.
Molecular consequence: missense variant.
Genome position (GRCh38, 1-based): chr21:46,124,652, C>T. VCF-style: chr21-46124652-C-T. GRCh37 (hg19) VCF-style: chr21-47544566-C-T.
Other names: c.1673C>T, p.Ala558Val (NM_058174.3, NM_058175.3); short protein forms A558V.
Identifiers: ClinVar variation 838220 (VCV000838220.15), dbSNP rs376303610, ClinGen allele CA10072112.